The following is an entry in ClinVar:

ClinVar aggregate classification (germline): Likely pathogenic (1 of 4 stars; one submission).

Conditions:
Dilated cardiomyopathy 1G (CMD1G). Identifiers: Orphanet 154, MedGen C1858763, MONDO:0011400, OMIM 604145.
Autosomal recessive limb-girdle muscular dystrophy type 2J (LGMDR10). Also called: Limb-girdle muscular dystrophy, type 2J; MUSCULAR DYSTROPHY, LIMB-GIRDLE, AUTOSOMAL RECESSIVE 10. Identifiers: Orphanet 140922, MedGen C1837342, MONDO:0012127, OMIM 608807.

Submission:

Labcorp Genetics (formerly Invitae), Labcorp
Classification: Likely pathogenic for Dilated cardiomyopathy 1G; Autosomal recessive limb-girdle muscular dystrophy type 2J. Last evaluated: 2024-08-29. Review status: criteria provided, single submitter. Criteria: Invitae Variant Classification Sherloc (09022015). Collection method: clinical testing. Allele origin: germline.
Comment: This sequence change creates a premature translational stop signal (p.Arg29375Leufs*26) in the TTN gene. While this is not anticipated to result in nonsense mediated decay, it is expected to create a truncated TTN protein. This variant is not present in population databases (gnomAD no frequency). This variant has not been reported in the literature in individuals affected with TTN-related conditions. This variant is located in the A band of TTN (PMID: 25589632). Truncating variants in this region are significantly overrepresented in patients affected with dilated cardiomyopathy (PMID: 25589632). Truncating variants in this region have also been reported in individuals affected with autosomal recessive centronuclear myopathy (PMID: 23975875). In summary, the currently available evidence indicates that the variant is pathogenic, but additional data are needed to prove that conclusively. Therefore, this variant has been classified as Likely Pathogenic.

Literature cited by the submitters: PubMed 25589632; PubMed 23975875.

NM_001267550.2(TTN):c.88124del (p.Arg29375fs)

Genes: TTN (titin; minus strand), TTN-AS1 (TTN antisense RNA 1; plus strand). Cytogenetic location: 2q31.2.
Variant type: Deletion.
Coding change: c.88124del on transcript NM_001267550.2 (MANE Select); coding-DNA position 88124, one base deleted (G; older notation c.88124delG).
Protein change: p.Arg29375fs; shifts the reading frame from arginine 29375.
Molecular consequence: frameshift variant.
Genome position (GRCh38, 1-based): chr2:178,557,030, C deleted on the plus strand (G on the coding strand, the reverse complement: TTN is on the minus strand). VCF-style (leftmost placement, unchanged base first): chr2-178557029-AC-A. GRCh37 (hg19) VCF-style: chr2-179421756-AC-A.
Other names: c.83201del, p.Arg27734fs (NM_001256850.1); c.60929del, p.Arg20310fs (NM_003319.4); c.80420del, p.Arg26807fs (NM_133378.4); c.61304del, p.Arg20435fs (NM_133432.3); c.61505del, p.Arg20502fs (NM_133437.4); short protein forms R20310fs, R20435fs, R20502fs, R26807fs, R27734fs, R29375fs.
Identifiers: ClinVar variation 3757898 (VCV003757898.2).
Genomic context (GRCh38, chr2:178,557,029, plus strand): 5'-GAATTGAGTTTCAGTAACATTGGTGAAGCTGGCCTTGGTCCATCTGCCATCTGGAAGGTC[AC>A]GTCTCTCAACAATGTAGCCTGTAATCTTGCTACCTCCATCGAAAGCTGGTTGTTGCCATG-3'